The following is an entry in ClinVar:

ClinVar aggregate classification (germline): Pathogenic. Review status: criteria provided, multiple submitters, no conflicts (2 of 4 stars). 6 submissions from 6 submitters: Pathogenic (6). Last evaluated 2024-05-28.

Conditions:
PKD1-related disorder. Also called: PKD1-related condition.
Polycystic kidney disease, adult type (PKD1). Also called: Polycystic Kidney, Autosomal Dominant; POLYCYSTIC KIDNEY DISEASE 1 WITH OR WITHOUT POLYCYSTIC LIVER DISEASE; Polycystic Kidney Disease 1, Autosomal Dominant; Polycystic kidney disease 1; Polycystic kidney disease 1, severe; POLYCYSTIC KIDNEY DISEASE, ADULT, TYPE I. Identifiers: MedGen C3149841, MONDO:0008263, OMIM 173900.

Submissions (6):

Blueprint Genetics
Classification: Pathogenic for PKD1-related disorders. Last evaluated: 2024-05-28. Review status: criteria provided, single submitter. Criteria: ACMG Guidelines, 2015. Collection method: clinical testing. Allele origin: germline. Affected: yes. Observed: 2 variant alleles.

Department of Pathology and Laboratory Medicine, Sinai Health System
Classification: Pathogenic for Polycystic kidney disease, adult type. Last evaluated: 2024-05-27. Review status: criteria provided, single submitter. Criteria: ACMG Guidelines, 2015. Collection method: clinical testing. Allele origin: germline. Affected: yes.

Victorian Clinical Genetics Services, Murdoch Childrens Research Institute
Classification: Pathogenic for Polycystic kidney disease, adult type. Last evaluated: 2023-07-17. Review status: criteria provided, single submitter. Criteria: ACMG Guidelines, 2015. Collection method: clinical testing. Allele origin: germline. Inheritance: Autosomal dominant inheritance. Affected: yes.
Comment: Based on the classification scheme VCGS_Germline_v1.3.4, this variant is classified as Pathogenic. Following criteria are met: 0102 - Loss of function is a known mechanism of disease in this gene and is associated with polycystic kidney disease 1 (MIM#173900). (I) 0107 - This gene is associated with autosomal dominant disease. Polycystic kidney disease 1 (MIM#173900) is predominantly caused by monoallelic variants, with rare reports of biallelic variants causing disease (OMIM). (I) 0201 - Variant is predicted to cause nonsense-mediated decay (NMD) and loss of protein (premature termination codon is located at least 54 nucleotides upstream of the final exon-exon junction). (SP) 0251 - This variant is heterozygous. (I) 0301 - Variant is absent from gnomAD (both v2 and v3). (SP) 0701 - Other NMD predicted variants comparable to the one identified in this case have very strong previous evidence for pathogenicity (DECIPHER). (SP) 0801 - This variant has strong previous evidence of pathogenicity in unrelated individuals. This variant has been reported in at least five unrelated individuals with polycystic kidney disease (ClinVar, LOVD). (SP) 1208 - Inheritance information for this variant is not currently available in this individual. (I) Legend: (SP) - Supporting pathogenic, (I) - Information, (SB) - Supporting benign

Fulgent Genetics
Classification: Pathogenic for Polycystic kidney disease, adult type. Last evaluated: 2021-10-08. Review status: criteria provided, single submitter. Criteria: ACMG Guidelines, 2015. Collection method: clinical testing. Allele origin: unknown.

CeGaT Center for Human Genetics Tuebingen
Classification: Pathogenic. Last evaluated: 2021-10-01. Review status: criteria provided, single submitter. Criteria: CeGaT Center For Human Genetics Tuebingen Variant Classification Criteria Version 2. Collection method: clinical testing. Allele origin: germline. Affected: yes. Observed: 1 variant allele.

Juno Genomics, Hangzhou Juno Genomics, Inc
Classification: Pathogenic for Polycystic kidney disease, adult type. Review status: criteria provided, single submitter. Criteria: ACMG Guidelines, 2015. Collection method: clinical testing. Allele origin: germline. Affected: yes.
Comment: Absent from controls (or at extremely low frequency if recessive) in Genome Aggregation Database, Exome Sequencing Project, 1000 Genomes Project, or Exome Aggregation Consortium.;Null variant in a gene where loss of function (LOF) is a known mechanism of disease.;The prevalence of the variant in affected individuals is significantly increased compared to the prevalence in controls.;Patient's phenotype or family history is highly specific for a disease with a single genetic etiology.

Literature cited by the submitters: PubMed 22185115 (cited by Department of Pathology and Laboratory Medicine, Sinai Health System); PubMed 22508176 (cited by Department of Pathology and Laboratory Medicine, Sinai Health System).

NM_001009944.3(PKD1):c.6730_6731del (p.Ser2244fs)

Gene: PKD1 (polycystin 1, transient receptor potential channel interacting; minus strand). Cytogenetic location: 16p13.3.
Variant type: Microsatellite.
Coding change: c.6730_6731del on transcript NM_001009944.3 (MANE Select); coding-DNA positions 6730 to 6731, 2 bases deleted (AG; older notation c.6730_6731delAG).
Protein change: p.Ser2244fs; shifts the reading frame from serine 2244.
Molecular consequence: frameshift variant.
Genome position (GRCh38, 1-based): chr16:2,108,436-2,108,437, CT deleted on the plus strand (AG on the coding strand, the reverse complement: PKD1 is on the minus strand); deleting any 2 consecutive bases within chr16:2,108,436-2,108,439 gives the same sequence; the c. name uses the placement nearest the transcript's 3' end. VCF-style (leftmost placement, unchanged base first): chr16-2108435-GCT-G. GRCh37 (hg19) VCF-style: chr16-2158436-GCT-G.
Other names: c.6730_6731del, p.Ser2244fs (NM_000296.4); c.6730_6731delAG (NM_001009944.2); short protein forms S2244fs.
Identifiers: ClinVar variation 1335200 (VCV001335200.41), dbSNP rs2151786400, ClinGen allele CA2579988520.